The following is an entry in ClinVar:

NM_004523.4(KIF11):c.1305+7A>G

Gene: KIF11 (kinesin family member 11; plus strand). Cytogenetic location: 10q23.33.
Variant type: single nucleotide variant.
Coding change: c.1305+7A>G on transcript NM_004523.4 (MANE Select); 7 bases into the intron after coding-DNA position 1305, A replaced by G.
Molecular consequence: intron variant.
Genome position (GRCh38, 1-based): chr10:92,628,902, A>G. VCF-style: chr10-92628902-A-G. GRCh37 (hg19) VCF-style: chr10-94388659-A-G.
Other names: c.1305+7A>G (NM_004523.3).
Identifiers: ClinVar variation 1111355 (VCV001111355.14), dbSNP rs566435042, ClinGen allele CA5604169.
Genomic context (GRCh38, chr10:92,628,902, plus strand): 5'-CAGATTGTAGAATTGATTGAAAAAATTGGTGCTGTTGAGGAGGAGCTGAATAGGGTAAGC[A>G]CTTAAAATGATATTTACTGTTATGTGAAAAGCAAATATTGAAAGAAAATTTTAGAATGAA-3'

ClinVar aggregate classification (germline): Likely benign. Review status: criteria provided, multiple submitters, no conflicts (2 of 4 stars). 4 submissions from 4 submitters: Likely benign (3). 1 of the submissions does not count toward it. Last evaluated 2025-06-04.

Conditions:
KIF11-related disorder. Also called: KIF11-related condition.

Allele frequency attached by ClinVar (database versions not stated): gnomAD 0.00005 and 0.00006; gnomAD exomes 0.00006; TOPMed 0.00006; ExAC 0.00008.
gnomAD v4.1: 82 of 1,414,620 alleles (0.0058%); highest among the groups gnomAD compares: South Asian, 0.0084%; no homozygotes.

Submissions (4):

Labcorp Genetics (formerly Invitae), Labcorp
Classification: Likely benign. Last evaluated: 2025-06-04. Review status: criteria provided, single submitter. Criteria: Invitae Variant Classification Sherloc (09022015). Collection method: clinical testing. Allele origin: germline.

Blueprint Genetics
Classification: Likely benign. Last evaluated: 2024-11-12. Review status: criteria provided, single submitter. Criteria: ACMG Guidelines, 2015. Collection method: clinical testing. Allele origin: germline.

Breakthrough Genomics
Classification: Likely benign. Review status: criteria provided, single submitter. Criteria: ACMG Guidelines, 2015. Collection method: not provided. Allele origin: germline. Inheritance: Autosomal dominant inheritance. Affected: yes.

PreventionGenetics, part of Exact Sciences
Classification: Likely benign for KIF11-related condition. Last evaluated: 2019-10-15. Review status: no assertion criteria provided. Collection method: clinical testing. Allele origin: germline. Not counted in ClinVar's aggregate classification.
Comment: This variant is classified as likely benign based on ACMG/AMP sequence variant interpretation guidelines (Richards et al. 2015 PMID: 25741868, with internal and published modifications).